The following is an entry in ClinVar:

NM_005343.4(HRAS):c.487A>T (p.Ile163Phe)

Genes: HRAS (HRas proto-oncogene, GTPase; minus strand), LRRC56 (leucine rich repeat containing 56; plus strand). Cytogenetic location: 11p15.5.
Variant type: single nucleotide variant.
Coding change: c.487A>T on transcript NM_005343.4 (MANE Select); coding-DNA position 487, A replaced by T.
Protein change: p.Ile163Phe; replaces isoleucine 163 with phenylalanine.
Molecular consequence: missense variant. On other transcripts: 3 prime UTR variant (1).
Genome position (GRCh38, 1-based): chr11:532,719, T>A on the plus strand (A>T on the coding strand, the complement: HRAS is on the minus strand). VCF-style: chr11-532719-T-A. GRCh37 (hg19) VCF-style: chr11-532719-T-A.
Other names: c.487A>T, p.Ile163Phe (NM_001130442.3); c.250A>T, p.Ile84Phe (NM_001318054.2); c.*56A>T (NM_176795.5); short protein forms I163F, I84F.
Identifiers: ClinVar variation 580753 (VCV000580753.11), dbSNP rs1564787934, ClinGen allele CA378921157.
Genomic context (GRCh38, chr11:532,719, plus strand): 5'-TCATGCAGCCGGGGCCACTCTCATCAGGAGGGTTCAGCTTCCGCAGCTTGTGCTGCCGGA[T>A]CTCACGCACCAACGTGTAGAAGGCATCCTCCACTCCCTGGGAAAGGAGGGATGGGATCAG-3'
Protein context (NP_005334.1, residues 153-173): EDAFYTLVRE[Ile163Phe]RQHKLRKLNP

ClinVar aggregate classification (germline): Uncertain significance (1 of 4 stars; one submission).

Conditions:
Costello syndrome (CSTLO). Also called: FCS SYNDROME; HRAS-Related Costello Syndrome; FACIOCUTANEOSKELETAL SYNDROME. Identifiers: Orphanet 3071, MedGen C0587248, MONDO:0009026, OMIM 218040.

Submission:

Labcorp Genetics (formerly Invitae), Labcorp
Classification: Uncertain significance for Costello syndrome. Last evaluated: 2024-04-15. Review status: criteria provided, single submitter. Criteria: Invitae Variant Classification Sherloc (09022015). Collection method: clinical testing. Allele origin: germline.
Comment: This sequence change replaces isoleucine, which is neutral and non-polar, with phenylalanine, which is neutral and non-polar, at codon 163 of the HRAS protein (p.Ile163Phe). This variant is not present in population databases (gnomAD no frequency). This variant has not been reported in the literature in individuals affected with HRAS-related conditions. ClinVar contains an entry for this variant (Variation ID: 580753). Advanced modeling of protein sequence and biophysical properties (such as structural, functional, and spatial information, amino acid conservation, physicochemical variation, residue mobility, and thermodynamic stability) performed at Invitae indicates that this missense variant is expected to disrupt HRAS protein function with a positive predictive value of 80%. In summary, the available evidence is currently insufficient to determine the role of this variant in disease. Therefore, it has been classified as a Variant of Uncertain Significance.